The following is an entry in ClinVar:

ClinVar aggregate classification (germline): Uncertain significance (1 of 4 stars; one submission).

Allele frequency attached by ClinVar (database versions not stated): gnomAD exomes below 0.00001.
gnomAD v4.1: 1 of 1,612,366 alleles (0.000062%); highest among the groups gnomAD compares: Admixed American, 0.0017%; no homozygotes.

Submission:

Ambry Genetics
Classification: Uncertain significance. Last evaluated: 2024-09-04. Review status: criteria provided, single submitter. Criteria: Ambry Variant Classification Scheme 2023. Collection method: clinical testing. Allele origin: germline.
Comment: The p.R864T variant (also known as c.2591G>C), located in coding exon 25 of the NEBL gene, results from a G to C substitution at nucleotide position 2591. The arginine at codon 864 is replaced by threonine, an amino acid with similar properties. This amino acid position is conserved. In addition, this alteration is predicted to be tolerated by in silico analysis. Since supporting evidence is limited at this time, the clinical significance of this alteration remains unclear.

NM_006393.3(NEBL):c.2591G>C (p.Arg864Thr)

Gene: NEBL (nebulette; minus strand). Cytogenetic location: 10p12.31.
Variant type: single nucleotide variant.
Coding change: c.2591G>C on transcript NM_006393.3 (MANE Select); coding-DNA position 2591, G replaced by C.
Protein change: p.Arg864Thr; replaces arginine 864 with threonine.
Molecular consequence: missense variant. On other transcripts: intron variant (8).
Genome position (GRCh38, 1-based): chr10:20,809,826, C>G on the plus strand (G>C on the coding strand, the complement: NEBL is on the minus strand). VCF-style: chr10-20809826-C-G. GRCh37 (hg19) VCF-style: chr10-21098755-C-G.
Other names: c.602G>C, p.Arg201Thr (NM_001377322.1); c.421+2943G>C (NM_001377326.1, NM_001377327.1, NM_001377328.1); c.529+2943G>C (NM_213569.2, NM_001173484.2); c.472+2943G>C (NM_001377324.1); c.463+2943G>C (NM_001377325.1); c.481+2943G>C (NM_001377323.1); short protein forms R201T, R864T.
Identifiers: ClinVar variation 1793528 (VCV001793528.3), dbSNP rs1163758141, ClinGen allele CA376093005.